The following is an entry in ClinVar:

ClinVar aggregate classification (germline): Uncertain significance. Review status: criteria provided, multiple submitters, no conflicts (2 of 4 stars). 3 submissions from 3 submitters: Uncertain significance (3). Last evaluated 2025-07-29.

Conditions:
Hereditary cancer-predisposing syndrome. Also called: Neoplastic Syndromes, Hereditary; Hereditary Cancer Syndrome; Tumor predisposition; Hereditary neoplastic syndrome. Identifiers: Orphanet 140162, MedGen C0027672, MeSH D009386, MONDO:0015356.
Breast-ovarian cancer, familial, susceptibility to, 1 (BROVCA1). Also called: BRCA1 Hereditary Breast and Ovarian Cancer; OVARIAN CANCER, SUSCEPTIBILITY TO. Identifiers: Orphanet 145, MedGen C2676676, MONDO:0011450, OMIM 604370. Disease mechanism: loss of function.
Ataxia-telangiectasia syndrome (AT). Also called: LOUIS-BAR SYNDROME; Cerebello-oculocutaneous telangiectasia; Immunodeficiency with ataxia telangiectasia; Ataxia-telangiectasia, complementation group D; AT, COMPLEMENTATION GROUP C; Ataxia-telangiectasia, complementation group E. Identifiers: Orphanet 100, MedGen C0004135, MONDO:0008840, OMIM 208900.

Submissions (3):

Institute of Immunology and Genetics Kaiserslautern
Classification: Uncertain significance for Breast-ovarian cancer, familial, susceptibility to, 1. Last evaluated: 2025-07-29. Review status: criteria provided, single submitter. Criteria: ACMG Guidelines, 2015. Collection method: clinical testing. Allele origin: germline. Affected: yes.
Comment: ACMG Criteria: PM2_P.

Labcorp Genetics (formerly Invitae), Labcorp
Classification: Uncertain significance for Ataxia-telangiectasia syndrome. Last evaluated: 2024-02-11. Review status: criteria provided, single submitter. Criteria: Invitae Variant Classification Sherloc (09022015). Collection method: clinical testing. Allele origin: germline.
Comment: This sequence change replaces asparagine, which is neutral and polar, with lysine, which is basic and polar, at codon 2435 of the ATM protein (p.Asn2435Lys). This variant is not present in population databases (gnomAD no frequency). This missense change has been observed in individual(s) with breast cancer (PMID: 19404735). ClinVar contains an entry for this variant (Variation ID: 482683). An algorithm developed to predict the effect of missense changes on protein structure and function (PolyPhen-2) suggests that this variant is likely to be tolerated. Algorithms developed to predict the effect of sequence changes on RNA splicing suggest that this variant may disrupt the consensus splice site. In summary, the available evidence is currently insufficient to determine the role of this variant in disease. Therefore, it has been classified as a Variant of Uncertain Significance.

Ambry Genetics
Classification: Uncertain significance for Hereditary cancer-predisposing syndrome. Last evaluated: 2019-07-29. Review status: criteria provided, single submitter. Criteria: Ambry Variant Classification Scheme 2023. Collection method: clinical testing. Allele origin: germline.
Comment: The p.N2435K variant (also known as c.7305C>G), located in coding exon 48 of the ATM gene, results from a C to G substitution at nucleotide position 7305. The asparagine at codon 2435 is replaced by lysine, an amino acid with similar properties. This amino acid position is well conserved in available vertebrate species. In addition, this alteration is predicted to be tolerated by in silico analysis. Since supporting evidence is limited at this time, the clinical significance of this alteration remains unclear.

Literature cited by the submitters: PubMed 19404735 (cited by Labcorp Genetics (formerly Invitae), Labcorp and Ambry Genetics).

NM_000051.4(ATM):c.7305C>G (p.Asn2435Lys)

Genes: ATM (ATM serine/threonine kinase; plus strand), C11orf65 (chromosome 11 open reading frame 65; minus strand). Cytogenetic location: 11q22.3.
Variant type: single nucleotide variant.
Coding change: c.7305C>G on transcript NM_000051.4 (MANE Select); coding-DNA position 7305, C replaced by G.
Protein change: p.Asn2435Lys; replaces asparagine 2435 with lysine.
Molecular consequence: missense variant. On other transcripts: intron variant (2).
Genome position (GRCh38, 1-based): chr11:108,329,236, C>G. VCF-style: chr11-108329236-C-G. GRCh37 (hg19) VCF-style: chr11-108199963-C-G.
Other names: c.7305C>G, p.Asn2435Lys (NM_001351834.2); c.641-20165G>C (NM_001330368.2); c.*38+5984G>C (NM_001351110.2); short protein forms N2435K.
Identifiers: ClinVar variation 482683 (VCV000482683.13), dbSNP rs1160508407, ClinGen allele CA382559842.